The following is an entry in ClinVar:

ClinVar aggregate classification (germline): Pathogenic (1 of 4 stars; one submission).

Conditions:
PKD1-related disorder. Also called: PKD1-related condition.

Submission:

PreventionGenetics, part of Exact Sciences
Classification: Pathogenic for PKD1-related condition. Last evaluated: 2024-12-23. Review status: criteria provided, single submitter. Criteria: ACMG Guidelines, 2015. Collection method: clinical testing. Allele origin: germline.
Comment: The PKD1 c.1563dupG variant is predicted to result in a frameshift and premature protein termination (p.Cys522Valfs*65). To our knowledge, this variant has not been reported in the literature or in a large population database (gnomAD), indicating this variant is rare. Frameshift variants in PKD1 are expected to be pathogenic. This variant is interpreted as pathogenic.

NM_001009944.3(PKD1):c.1563dup (p.Cys522fs)

Gene: PKD1 (polycystin 1, transient receptor potential channel interacting; minus strand). Cytogenetic location: 16p13.3.
Variant type: Duplication.
Coding change: c.1563dup on transcript NM_001009944.3 (MANE Select); coding-DNA position 1563, one base duplicated (G; older notation c.1563dupG).
Protein change: p.Cys522fs; shifts the reading frame from cysteine 522.
Molecular consequence: frameshift variant.
Genome position (GRCh38, 1-based): chr16:2,116,876, C duplicated on the plus strand (G on the coding strand, the reverse complement: PKD1 is on the minus strand). VCF-style (leftmost placement, unchanged base first): chr16-2116875-A-AC. GRCh37 (hg19) VCF-style: chr16-2166876-A-AC.
Other names: c.1563dup, p.Cys522fs (NM_000296.4); c.1563dupG (NM_001009944.2); short protein forms C522fs.
Identifiers: ClinVar variation 5000824 (VCV005000824.1).